The following is an entry in ClinVar:

NM_152490.5(B3GALNT2):c.1274G>A (p.Trp425Ter)

Gene: B3GALNT2 (beta-1,3-N-acetylgalactosaminyltransferase 2; minus strand). Cytogenetic location: 1q42.3.
Variant type: single nucleotide variant.
Coding change: c.1274G>A on transcript NM_152490.5 (MANE Select); coding-DNA position 1274, G replaced by A.
Protein change: p.Trp425Ter; replaces tryptophan 425 with a stop codon.
Molecular consequence: nonsense.
Genome position (GRCh38, 1-based): chr1:235,454,193, C>T on the plus strand (G>A on the coding strand, the complement: B3GALNT2 is on the minus strand). VCF-style: chr1-235454193-C-T. GRCh37 (hg19) VCF-style: chr1-235617505-C-T.
Other names: short protein forms W425*.
Identifiers: ClinVar variation 620248 (VCV000620248.1), dbSNP rs1558407945, ClinGen allele CA344956743.

ClinVar aggregate classification (germline): Likely pathogenic (1 of 4 stars; one submission).

Allele frequency attached by ClinVar (database versions not stated): gnomAD exomes below 0.00001.
gnomAD v4.1: 1 of 1,612,250 alleles (0.000062%); highest among the groups gnomAD compares: Non-Finnish European, 0.000085%; no homozygotes.

Submission:

GeneDx
Classification: Likely pathogenic. Last evaluated: 2018-07-06. Review status: criteria provided, single submitter. Criteria: GeneDx Variant Classification (06012015). Collection method: clinical testing. Allele origin: germline. Affected: yes.
Comment: The W425X variant in the B3GALNT2 gene has not been reported previously as a pathogenic variant nor as a benign variant, to our knowledge. This variant is predicted to cause loss of normal protein function either through protein truncation or nonsense-mediated mRNA decay. The W425X variant is not observed in large population cohorts (Lek et al., 2016). We interpret W425X as a likely pathogenic variant.